The following is an entry in ClinVar:

ClinVar aggregate classification (germline): Uncertain significance. Review status: criteria provided, multiple submitters, no conflicts (2 of 4 stars). 4 submissions from 4 submitters: Uncertain significance (4). Last evaluated 2025-06-13.

Conditions:
Hereditary cancer-predisposing syndrome. Also called: Tumor predisposition; Neoplastic Syndromes, Hereditary; Hereditary neoplastic syndrome; Hereditary Cancer Syndrome. Identifiers: Orphanet 140162, MedGen C0027672, MeSH D009386, MONDO:0015356.
Hereditary breast ovarian cancer syndrome. Also called: Hereditary breast and ovarian cancer; Hereditary breast and ovarian cancer syndrome (HBOC); Breast and ovarian cancer; Hereditary breast and ovarian cancer syndrome; BRCA1- and BRCA2-Associated Hereditary Breast and Ovarian Cancer; Hereditary breast and/or ovarian cancer syndrome. Identifiers: Orphanet 145, MedGen C0677776, MeSH D061325, MONDO:0003582. Disease mechanism: loss of function.

Allele frequency attached by ClinVar (database versions not stated): gnomAD exomes below 0.00001.

Submissions (4):

Ambry Genetics
Classification: Uncertain significance for Hereditary cancer-predisposing syndrome. Last evaluated: 2025-06-13. Review status: criteria provided, single submitter. Criteria: Ambry Variant Classification Scheme 2023. Collection method: clinical testing. Allele origin: germline.
Comment: The p.N2458H variant (also known as c.7372A>C), located in coding exon 13 of the BRCA2 gene, results from an A to C substitution at nucleotide position 7372. The asparagine at codon 2458 is replaced by histidine, an amino acid with similar properties. This amino acid position is conserved. In addition, this alteration is predicted to be tolerated by in silico analysis. Since supporting evidence is limited at this time, the clinical significance of this alteration remains unclear.

Labcorp Genetics (formerly Invitae), Labcorp
Classification: Uncertain significance for Hereditary breast ovarian cancer syndrome. Last evaluated: 2025-02-10. Review status: criteria provided, single submitter. Criteria: Invitae Variant Classification Sherloc (09022015). Collection method: clinical testing. Allele origin: germline.
Comment: This sequence change replaces asparagine, which is neutral and polar, with histidine, which is basic and polar, at codon 2458 of the BRCA2 protein (p.Asn2458His). This variant is present in population databases (no rsID available, gnomAD no frequency). This variant has not been reported in the literature in individuals affected with BRCA2-related conditions. ClinVar contains an entry for this variant (Variation ID: 633120). Invitae Evidence Modeling of protein sequence and biophysical properties (such as structural, functional, and spatial information, amino acid conservation, physicochemical variation, residue mobility, and thermodynamic stability) indicates that this missense variant is not expected to disrupt BRCA2 protein function with a negative predictive value of 95%. In summary, the available evidence is currently insufficient to determine the role of this variant in disease. Therefore, it has been classified as a Variant of Uncertain Significance.

Quest Diagnostics Nichols Institute San Juan Capistrano
Classification: Uncertain significance. Last evaluated: 2021-01-14. Review status: criteria provided, single submitter. Criteria: Quest Diagnostics criteria. Collection method: clinical testing. Allele origin: unknown.

Women's Health and Genetics/Laboratory Corporation of America, LabCorp
Classification: Uncertain significance. Last evaluated: 2018-08-31. Review status: criteria provided, single submitter. Criteria: LabCorp Variant Classification Summary - May 2015. Collection method: clinical testing. Allele origin: germline.
Comment: Variant summary: BRCA2 c.7372A>C (p.Asn2458His) results in a conservative amino acid change in the encoded protein sequence. Five of five in-silico tools predict a benign effect of the variant on protein function. The variant allele was found at a frequency of 4.1e-06 in 245902 control chromosomes (gnomAD). The available data on variant occurrences in the general population are insufficient to allow any conclusion about variant significance. To our knowledge, no occurrence of c.7372A>C in individuals affected with Hereditary Breast and Ovarian Cancer and no experimental evidence demonstrating its impact on protein function have been reported. No clinical diagnostic laboratories have submitted clinical-significance assessments for this variant to ClinVar after 2014. Based on the evidence outlined above, the variant was classified as uncertain significance.

NM_000059.4(BRCA2):c.7372A>C (p.Asn2458His)

Gene: BRCA2 (BRCA2 DNA repair associated; plus strand). Cytogenetic location: 13q13.1.
Variant type: single nucleotide variant.
Coding change: c.7372A>C on transcript NM_000059.4 (MANE Select); coding-DNA position 7372, A replaced by C.
Protein change: p.Asn2458His; replaces asparagine 2458 with histidine.
Molecular consequence: missense variant.
Genome position (GRCh38, 1-based): chr13:32,355,225, A>C. VCF-style: chr13-32355225-A-C. GRCh37 (hg19) VCF-style: chr13-32929362-A-C.
Other names: short protein forms N2458H.
Identifiers: ClinVar variation 633120 (VCV000633120.14), dbSNP rs1278943365, ClinGen allele CA387741581.